The following is an entry in ClinVar:

NM_021930.6(RINT1):c.2010A>T (p.Leu670Phe)

Genes: EFCAB10 (EF-hand calcium binding domain 10; minus strand), RINT1 (RAD50 interactor 1; plus strand). Cytogenetic location: 7q22.3.
Variant type: single nucleotide variant.
Coding change: c.2010A>T on transcript NM_021930.6 (MANE Select); coding-DNA position 2010, A replaced by T.
Protein change: p.Leu670Phe; replaces leucine 670 with phenylalanine.
Molecular consequence: missense variant. On other transcripts: 3 prime UTR variant (3), non-coding transcript variant (1).
Genome position (GRCh38, 1-based): chr7:105,565,400, A>T. VCF-style: chr7-105565400-A-T. GRCh37 (hg19) VCF-style: chr7-105205847-A-T.
Other names: c.*47T>A (NM_001355526.2); c.*149T>A (NM_001355530.2); c.*2T>A (NM_001355531.2); c.1776A>T, p.Leu592Phe (NM_001346599.2); c.987A>T, p.Leu329Phe (NM_001346600.2, NM_001346603.2); c.1086A>T, p.Leu362Phe (NM_001346601.2); short protein forms L329F, L362F, L592F, L670F.
Identifiers: ClinVar variation 4863319 (VCV004863319.1).

ClinVar aggregate classification (germline): Uncertain significance (1 of 4 stars; one submission).

Submission:

Ambry Genetics
Classification: Uncertain significance. Last evaluated: 2026-05-01. Review status: criteria provided, single submitter. Criteria: Ambry Variant Classification Scheme 2023. Collection method: clinical testing. Allele origin: germline.
Comment: The p.L670F variant (also known as c.2010A>T), located in coding exon 13 of the RINT1 gene, results from an A to T substitution at nucleotide position 2010. The leucine at codon 670 is replaced by phenylalanine, an amino acid with highly similar properties. This amino acid position is conserved. In addition, the in silico prediction for this alteration is inconclusive. Based on the available evidence, the clinical significance of this variant remains unclear.